The following is an entry in ClinVar:

ClinVar aggregate classification (germline): Conflicting classifications of pathogenicity. Review status: criteria provided, conflicting classifications (1 of 4 stars). 6 submissions from 6 submitters: Uncertain significance (1); Likely benign (5). Last evaluated 2026-09-21.

Conditions:
Combined oxidative phosphorylation defect type 8. Also called: CARDIOMYOPATHY, HYPERTROPHIC MITOCHONDRIAL, FATAL INFANTILE. Identifiers: Orphanet 319504, MedGen C4518839, MONDO:0013570, OMIM 614096.
Inborn genetic diseases. Identifiers: MedGen C0950123, MeSH D030342.
AARS2-related disorder. Also called: AARS2-related condition; AARS2-related disorders. Identifiers: MedGen CN381518, MONDO:1060240.

Allele frequency attached by ClinVar (database versions not stated): 1000 Genomes Project 30x 0.00031; 1000 Genomes Project 0.00040; gnomAD exomes 0.00072 and 0.00133; ExAC 0.00079; TOPMed 0.00082; gnomAD 0.00087; ESP Exome Variant Server 0.00154.
gnomAD v4.1: 2,044 of 1,614,220 alleles (0.13%); highest among the groups gnomAD compares: Non-Finnish European, 0.16%; 2 homozygotes.

Submissions (6):

PreventionGenetics, part of Exact Sciences
Classification: Likely benign for AARS2-related condition. Last evaluated: 2026-09-21. Review status: criteria provided, single submitter. Criteria: ACMG Guidelines, 2015. Collection method: clinical testing. Allele origin: germline.
Comment: This variant is classified as likely benign based on ACMG/AMP sequence variant interpretation guidelines (Richards et al. 2015 PMID: 25741868, with internal and published modifications).

Labcorp Genetics (formerly Invitae), Labcorp
Classification: Likely benign. Last evaluated: 2026-02-01. Review status: criteria provided, single submitter. Criteria: Invitae Variant Classification Sherloc (09022015). Collection method: clinical testing. Allele origin: germline.

CeGaT Center for Human Genetics Tuebingen
Classification: Likely benign. Last evaluated: 2025-09-01. Review status: criteria provided, single submitter. Criteria: CeGaT Center For Human Genetics Tuebingen Variant Classification Criteria Version 2. Collection method: clinical testing. Allele origin: germline. Affected: yes. Observed: 3 variant alleles.
Comment: AARS2: BS1

Blueprint Genetics
Classification: Likely benign. Last evaluated: 2024-10-22. Review status: criteria provided, single submitter. Criteria: ACMG Guidelines, 2015. Collection method: clinical testing. Allele origin: germline.

Ambry Genetics
Classification: Likely benign for Inborn genetic diseases. Last evaluated: 2021-08-13. Review status: criteria provided, single submitter. Criteria: Ambry Variant Classification Scheme 2023. Collection method: clinical testing. Allele origin: germline.

Illumina Laboratory Services, Illumina
Classification: Uncertain significance for Combined oxidative phosphorylation defect type 8. Last evaluated: 2018-01-13. Review status: criteria provided, single submitter. Criteria: ICSL Variant Classification Criteria 13 December 2019. Collection method: clinical testing. Allele origin: germline.

NM_020745.4(AARS2):c.1621G>A (p.Glu541Lys)

Gene: AARS2 (alanyl-tRNA synthetase 2, mitochondrial; minus strand). Cytogenetic location: 6p21.1.
Variant type: single nucleotide variant.
Coding change: c.1621G>A on transcript NM_020745.4 (MANE Select); coding-DNA position 1621, G replaced by A.
Protein change: p.Glu541Lys; replaces glutamic acid 541 with lysine.
Molecular consequence: missense variant.
Genome position (GRCh38, 1-based): chr6:44,304,776, C>T on the plus strand (G>A on the coding strand, the complement: AARS2 is on the minus strand). VCF-style: chr6-44304776-C-T. GRCh37 (hg19) VCF-style: chr6-44272513-C-T.
Other names: short protein forms E541K.
Identifiers: ClinVar variation 213955 (VCV000213955.56), dbSNP rs142094090, ClinGen allele CA320938.
Genomic context (GRCh38, chr6:44,304,776, plus strand): 5'-TGTCCAAGAGGAGGCCACAGCGCTGGCCTTTCCCCACGGAGGCCACTGCTGTCCCGTCCT[C>T]TGTATACAGTTGCAACACCTGGGCCTCACAGGTGCCGAACTCTGCCAGGGCACAGAATGG-3'
Protein context (NP_065796.2, residues 531-551): CEAQVLQLYT[Glu541Lys]DGTAVASVGK